The following is an entry in ClinVar:

NM_001393504.1(MAST3):c.1100T>G (p.Leu367Arg)

Gene: MAST3 (microtubule associated serine/threonine kinase 3; plus strand). Cytogenetic location: 19p13.11.
Variant type: single nucleotide variant.
Coding change: c.1100T>G on transcript NM_001393504.1 (MANE Select); coding-DNA position 1100, T replaced by G.
Protein change: p.Leu367Arg; replaces leucine 367 with arginine.
Molecular consequence: missense variant.
Genome position (GRCh38, 1-based): chr19:18,128,421, T>G. VCF-style: chr19-18128421-T-G. GRCh37 (hg19) VCF-style: chr19-18239231-T-G.
Other names: c.1124T>G, p.Leu375Arg (NM_001393501.1); c.1103T>G, p.Leu368Arg (NM_001393502.1); c.1100T>G, p.Leu367Arg (NM_001393503.1); c.1097T>G, p.Leu366Arg (NM_001393505.1); c.1052T>G, p.Leu351Arg (NM_001393506.1, NM_001393513.1); c.1079T>G, p.Leu360Arg (NM_001393507.1); c.1034T>G, p.Leu345Arg (NM_001393508.1, NM_001393516.1); c.1031T>G, p.Leu344Arg (NM_001393509.1, NM_001393510.1, NM_001393512.1 and 2 more transcripts); and 4 more; short protein forms L368R, L338R, L343R, L344R, L360R, L366R, L375R, L337R.
Identifiers: ClinVar variation 4995541 (VCV004995541.1).

ClinVar aggregate classification (germline): Uncertain significance (1 of 4 stars; one submission).

Conditions:
MAST3-related disorder.

Submission:

PreventionGenetics, part of Exact Sciences
Classification: Uncertain significance for MAST3-related condition. Last evaluated: 2025-11-20. Review status: criteria provided, single submitter. Criteria: ACMG Guidelines, 2015. Collection method: clinical testing. Allele origin: germline.
Comment: The MAST3 c.1013T>G variant is predicted to result in the amino acid substitution p.Leu338Arg. To our knowledge, this variant has not been reported in the literature or in a large population database (gnomAD), indicating this variant is rare. At this time, the clinical significance of this variant is uncertain due to the absence of conclusive functional and genetic evidence.